The following is an entry in ClinVar:

NM_020207.7(ERCC6L2):c.1490C>T (p.Ala497Val)

Gene: ERCC6L2 (ERCC excision repair 6 like 2; plus strand). Cytogenetic location: 9q22.32.
Variant type: single nucleotide variant.
Coding change: c.1490C>T on transcript NM_020207.7 (MANE Select); coding-DNA position 1490, C replaced by T.
Protein change: p.Ala497Val; replaces alanine 497 with valine.
Molecular consequence: missense variant. On other transcripts: non-coding transcript variant (1).
Genome position (GRCh38, 1-based): chr9:95,923,336, C>T. VCF-style: chr9-95923336-C-T. GRCh37 (hg19) VCF-style: chr9-98685618-C-T.
Other names: c.1490C>T, p.Ala497Val (NM_001010895.4, NM_001375291.1, NM_001375292.1 and 2 more transcripts); short protein forms A497V.
Identifiers: ClinVar variation 4019251 (VCV004019251.1).
Genomic context (GRCh38, chr9:95,923,336, plus strand): 5'-GGATATGTGATCAGGTATTTTCCAGATTCCCAGATTTTGTGCAGAAAAGCAAAGATGCAG[C>T]CTTTGAAACACTTTCTGACCCTAAATACAGTGGAAAAATGAAGGTAAGTGCTCCTCTTTC-3'
Protein context (NP_064592.3, residues 487-507): PDFVQKSKDA[Ala497Val]FETLSDPKYS

ClinVar aggregate classification (germline): Uncertain significance (1 of 4 stars; one submission).

Conditions:
Inborn genetic diseases. Identifiers: MedGen C0950123, MeSH D030342.

gnomAD v4.1: 1 of 1,613,686 alleles (0.000062%); highest among the groups gnomAD compares: African/African-American, 0.0013%; no homozygotes.

Submission:

Ambry Genetics
Classification: Uncertain significance for Inborn genetic diseases. Last evaluated: 2025-03-19. Review status: criteria provided, single submitter. Criteria: Ambry Variant Classification Scheme 2023. Collection method: clinical testing. Allele origin: germline.
Comment: The p.A497V variant (also known as c.1490C>T), located in coding exon 9 of the ERCC6L2 gene, results from a C to T substitution at nucleotide position 1490. The alanine at codon 497 is replaced by valine, an amino acid with similar properties. This amino acid position is conserved. In addition, this alteration is predicted to be tolerated by in silico analysis. Based on the available evidence, the clinical significance of this variant remains unclear.